The following is an entry in ClinVar:

ClinVar aggregate classification (germline): Uncertain significance (1 of 4 stars; one submission).

Submission:

GeneDx
Classification: Uncertain significance. Last evaluated: 2025-02-20. Review status: criteria provided, single submitter. Criteria: GeneDx Variant Classification Process June 2021. Collection method: clinical testing. Allele origin: germline. Affected: yes.
Comment: Not observed at significant frequency in large population cohorts (gnomAD); In silico analysis supports that this missense variant has a deleterious effect on protein structure/function; Has not been previously published as pathogenic or benign to our knowledge

NM_013436.5(NCKAP1):c.672G>C (p.Trp224Cys)

Gene: NCKAP1 (NCK associated protein 1; minus strand). Cytogenetic location: 2q32.1.
Variant type: single nucleotide variant.
Coding change: c.672G>C on transcript NM_013436.5 (MANE Select); coding-DNA position 672, G replaced by C.
Protein change: p.Trp224Cys; replaces tryptophan 224 with cysteine.
Molecular consequence: missense variant.
Genome position (GRCh38, 1-based): chr2:182,995,770, C>G on the plus strand (G>C on the coding strand, the complement: NCKAP1 is on the minus strand). VCF-style: chr2-182995770-C-G. GRCh37 (hg19) VCF-style: chr2-183860498-C-G.
Other names: c.666G>C, p.Trp222Cys (NM_001437266.1); c.684G>C, p.Trp228Cys (NM_001437267.1); c.690G>C, p.Trp230Cys (NM_205842.3); short protein forms W222C, W224C, W228C, W230C.
Identifiers: ClinVar variation 4076851 (VCV004076851.1).